The following is an entry in ClinVar:

NM_001854.4(COL11A1):c.2296-19C>T

Gene: COL11A1 (collagen type XI alpha 1 chain; minus strand). Cytogenetic location: 1p21.1.
Variant type: single nucleotide variant.
Coding change: c.2296-19C>T on transcript NM_001854.4 (MANE Select); 19 bases into the intron before coding-DNA position 2296, C replaced by T.
Molecular consequence: intron variant.
Genome position (GRCh38, 1-based): chr1:102,995,927, G>A on the plus strand (C>T on the coding strand, the complement: COL11A1 is on the minus strand). VCF-style: chr1-102995927-G-A. GRCh37 (hg19) VCF-style: chr1-103461483-G-A.
Other names: c.2179-19C>T (NM_001190709.2); c.2332-19C>T (NM_080629.3); c.1948-19C>T (NM_080630.4).
Identifiers: ClinVar variation 508897 (VCV000508897.9), dbSNP rs776330050, ClinGen allele CA974491.

ClinVar aggregate classification (germline): Likely benign. Review status: criteria provided, multiple submitters, no conflicts (2 of 4 stars). 3 submissions from 3 submitters: Likely benign (3). Last evaluated 2022-07-01.

Allele frequency attached by ClinVar (database versions not stated): gnomAD below 0.00001 and 0.00001; gnomAD exomes below 0.00001 and 0.00001; ExAC 0.00001; TOPMed 0.00001.

Submissions (3):

Labcorp Genetics (formerly Invitae), Labcorp
Classification: Likely benign. Last evaluated: 2022-07-01. Review status: criteria provided, single submitter. Criteria: Invitae Variant Classification Sherloc (09022015). Collection method: clinical testing. Allele origin: germline.

Blueprint Genetics
Classification: Likely benign. Last evaluated: 2020-09-16. Review status: criteria provided, single submitter. Criteria: ACMG Guidelines, 2015. Collection method: clinical testing. Allele origin: germline.

GeneDx
Classification: Likely benign. Last evaluated: 2017-04-17. Review status: criteria provided, single submitter. Criteria: GeneDx Variant Classification (06012015). Collection method: clinical testing. Allele origin: germline. Affected: yes.
Comment: This variant is considered likely benign or benign based on one or more of the following criteria: it is a conservative change, it occurs at a poorly conserved position in the protein, it is predicted to be benign by multiple in silico algorithms, and/or has population frequency not consistent with disease.